The following is an entry in ClinVar:

NM_000179.3(MSH6):c.3172+1G>T

Gene: MSH6 (mutS homolog 6; plus strand). Cytogenetic location: 2p16.3.
Variant type: single nucleotide variant.
Coding change: c.3172+1G>T on transcript NM_000179.3 (MANE Select); the canonical splice donor site of the intron after coding-DNA position 3172, G replaced by T.
Molecular consequence: splice donor variant. On other transcripts: intron variant (2).
Genome position (GRCh38, 1-based): chr2:47,801,156, G>T. VCF-style: chr2-47801156-G-T. GRCh37 (hg19) VCF-style: chr2-48028295-G-T.
Other names: c.2875+1G>T (NM_001406830.1, NM_001406805.1, NM_001406797.1 and 10 more transcripts); c.3172+1G>T (NM_001406809.1, NM_001406796.1, NM_001406808.1 and 2 more transcripts); c.2266+1G>T (NM_001406811.1, NM_001406814.1, NM_001281493.2 and 6 more transcripts); c.3268+1G>T (NM_001406795.1, NM_001406802.1); c.3178+1G>T (NM_001406813.1); c.2647+1G>T (NM_001406807.1, NM_001406799.1, NM_001406806.1); c.2308+865G>T (NM_001406803.1); c.1606+1567G>T (NM_001406817.1); and 4 more.
Identifiers: ClinVar variation 89344 (VCV000089344.30), dbSNP rs587779255, ClinGen allele CA011722.

ClinVar aggregate classification (germline): Likely pathogenic. Review status: reviewed by expert panel (3 of 4 stars). 9 submissions from 9 submitters: Likely pathogenic (1). 8 of the submissions do not count toward it. Last evaluated 2019-06-21.

Conditions:
Hereditary nonpolyposis colon cancer (HNPCC). Also called: Hereditary nonpolyposis colorectal cancer; Familial nonpolyposis colon cancer; Hereditary Nonpolyposis Colorectal Cancer Syndrome. Identifiers: Orphanet 443909, MedGen C1333990, MONDO:0018630. Disease mechanism: loss of function.
Hereditary nonpolyposis colorectal neoplasms. Identifiers: MedGen C0009405, MeSH D003123.
Hereditary cancer-predisposing syndrome. Also called: Neoplastic Syndromes, Hereditary; Hereditary neoplastic syndrome; Hereditary Cancer Syndrome; Tumor predisposition. Identifiers: Orphanet 140162, MedGen C0027672, MeSH D009386, MONDO:0015356.
Lynch syndrome. Identifiers: Orphanet 144, MedGen C4552100, MONDO:0005835. Disease mechanism: loss of function.
Lynch syndrome 5 (LYNCH5). Also called: Colorectal cancer, hereditary nonpolyposis, type 5; Hereditary non-polyposis colorectal cancer, type 5. Identifiers: Orphanet 144, MedGen C1833477, MONDO:0013710, OMIM 614350. Disease mechanism: loss of function.
Endometrial carcinoma. Also called: Endometrial carcinoma, somatic. Identifiers: MedGen C0476089, MONDO:0002447, OMIM 608089, HP:0012114.

Submissions (9):

International Society for Gastrointestinal Hereditary Tumours (InSiGHT)
Classification: Likely pathogenic for Lynch syndrome. Last evaluated: 2019-06-21. Review status: reviewed by expert panel. Criteria: Guidelines v2.4. Collection method: curation. Allele origin: germline. Affected: yes.
Comment: Interrupts canonical donor splice site

Labcorp Genetics (formerly Invitae), Labcorp
Classification: Pathogenic for Hereditary nonpolyposis colorectal neoplasms. Last evaluated: 2026-01-19. Review status: criteria provided, single submitter. Criteria: Invitae Variant Classification Sherloc (09022015). Collection method: clinical testing. Allele origin: germline. Not counted in ClinVar's aggregate classification.
Comment: This sequence change affects a donor splice site in intron 4 of the MSH6 gene. RNA analysis indicates that disruption of this splice site induces altered splicing and may result in an absent or altered protein product. This variant is not present in population databases (gnomAD no frequency). Disruption of this splice site has been observed in individuals with Lynch syndrome (PMID: 20487569; internal data). Invitae Evidence Modeling of clinical and family history, age, sex, and reported ancestry of multiple individuals with this MSH6 variant has been performed. This variant is expected to be pathogenic with a positive predictive value of at least 99%. This is a validated machine learning model that incorporates the clinical features of 1,627,235 individuals referred to our laboratory for MSH6 testing. ClinVar contains an entry for this variant (Variation ID: 89344). Studies have shown that disruption of this splice site results in skipping of exon 4 and/or activation of cryptic splice sites, and produces a non-functional protein and/or introduces a premature termination codon (internal data). For these reasons, this variant has been classified as Pathogenic.

GeneDx
Classification: Pathogenic. Last evaluated: 2025-11-21. Review status: criteria provided, single submitter. Criteria: GeneDx Variant Classification Process June 2021. Collection method: clinical testing. Allele origin: germline. Not counted in ClinVar's aggregate classification.
Comment: Observed in individuals with a personal and/or family history of Lynch-related cancers and tumor studies consistent with pathogenic variants in this gene (PMID: 20487569, 29348823); Canonical splice site variant predicted to result in a null allele in a gene for which loss of function is a known mechanism of disease; Not observed at significant frequency in large population cohorts (gnomAD); This variant is associated with the following publications: (PMID: 25525159, 23464690, 32949329, 35655404, 29348823, 30202019, 27064304, 20487569)

Ambry Genetics
Classification: Pathogenic for Hereditary cancer-predisposing syndrome. Last evaluated: 2025-08-22. Review status: criteria provided, single submitter. Criteria: Ambry Variant Classification Scheme 2023. Collection method: clinical testing. Allele origin: germline. Not counted in ClinVar's aggregate classification.
Comment: The c.3172+1G>T intronic variant results from a G to T substitution one nucleotide after coding exon 4 of the MSH6 gene. This variant has been identified in a proband(s) whose Lynch syndrome-associated tumor demonstrated loss of MSH6 expression by immunohistochemistry (Li S et al. J. Med. Genet. 2020 Jan;57:62-69; Ambry internal data). This variant is considered to be rare based on population cohorts in the Genome Aggregation Database (gnomAD). This nucleotide position is highly conserved in available vertebrate species. In silico splice site analysis predicts that this alteration will weaken the native splice donor site. RNA studies have demonstrated that this alteration results in abnormal splicing in the set of samples tested (Ambry internal data). Alterations that disrupt the canonical splice site are expected to cause aberrant splicing, resulting in an abnormal protein or a transcript that is subject to nonsense-mediated mRNA decay. As such, this alteration is classified as a disease-causing mutation.

GeneKor MSA
Classification: Pathogenic for Lynch syndrome. Last evaluated: 2025-06-20. Review status: criteria provided, single submitter. Criteria: ACMG Guidelines, 2015. Collection method: clinical testing. Allele origin: germline. Affected: yes. Not counted in ClinVar's aggregate classification.
Comment: This is a single nucleotide substitution occurring one base downstream of exon 4 in the MSH6 gene. This position is highly conserved across human and other genomes and is likely involved in mRNA splicing regulation. Splicing analysis has demonstrated that this specific substitution leads to aberrant mRNA splicing and exon 4 skipping. As a result, a truncated, non-functional protein or complete loss of the protein product is expected, as confirmed by experimental studies (PMID:25525159, 23464690, 20487569, 29348823, 32949329, 35655404, 30202019). This variant has been reported in the international literature in patients with Lynch syndrome (PMID:20487569) and is listed in the ClinVar database (VCV000089344.26). For these reasons, the variant is classified as pathogenic.

Women's Health and Genetics/Laboratory Corporation of America, LabCorp
Classification: Pathogenic for Hereditary nonpolyposis colon cancer. Last evaluated: 2023-12-27. Review status: criteria provided, single submitter. Criteria: LabCorp Variant Classification Summary - May 2015. Collection method: clinical testing. Allele origin: germline. Not counted in ClinVar's aggregate classification.
Comment: Variant summary: MSH6 c.3172+1G>T is located in a canonical splice-site and is predicted to affect mRNA splicing resulting in a significantly altered protein due to either exon skipping, shortening, or inclusion of intronic material. Several computational tools predict a significant impact on normal splicing: Three predict the variant abolishes a 5' splicing donor site. However, these predictions have yet to be confirmed by functional studies. The frequency data for this variant in gnomAD is considered unreliable, as metrics indicate poor data quality at this position. c.3172+1G>T has been reported in the literature in individuals affected with Hereditary Nonpolyposis Colorectal Cancer, Lynch Syndrome, Ovarian and Breast Cancer(Hirasawa_2017, Talseth-Palmer_2010, Sukhanova_2022, Sjursen_2016). These data indicate that the variant is likely to be associated with disease. To our knowledge, no experimental evidence demonstrating an impact on protein function has been reported. The following publications have been ascertained in the context of this evaluation (PMID: 29348823, 27064304, 35655404, 20487569). Six submitters have cited clinical-significance assessments for this variant to ClinVar after 2014. All submitters classified the variant as pathogenic/likely pathogenic. Based on the evidence outlined above, the variant was classified as pathogenic.

Myriad Genetics, Inc.
Classification: Likely pathogenic for Lynch syndrome 5. Last evaluated: 2023-08-22. Review status: criteria provided, single submitter. Criteria: Myriad Autosomal Dominant, Autosomal Recessive and X-Linked Classification Criteria (2023). Collection method: clinical testing. Allele origin: unknown. Not counted in ClinVar's aggregate classification.
Comment: This variant is considered likely pathogenic. This variant occurs within a consensus splice junction and is predicted to result in abnormal mRNA splicing of either an out-of-frame exon or an in-frame exon necessary for protein stability and/or normal function.

Baylor Genetics
Classification: Pathogenic for Endometrial carcinoma. Last evaluated: 2022-10-10. Review status: criteria provided, single submitter. Criteria: ACMG Guidelines, 2015. Collection method: clinical testing. Allele origin: unknown. Not counted in ClinVar's aggregate classification.

Color Diagnostics, LLC DBA Color Health
Classification: Likely pathogenic for Hereditary cancer-predisposing syndrome. Last evaluated: 2021-12-13. Review status: criteria provided, single submitter. Criteria: ACMG Guidelines, 2015. Collection method: clinical testing. Allele origin: germline. Not counted in ClinVar's aggregate classification.
Comment: This variant causes a G to T nucleotide substitution at the +1 position of intron 4 of the MSH6 gene. Splice site prediction tools predict that this variant may have a significant impact on RNA splicing. This variant has been reported in individuals affected with Lynch syndrome (PMID: 20487569); or ovarian and uterine cancer (PMID: 29348823). This variant has not been identified in the general population by the Genome Aggregation Database (gnomAD). Loss of MSH6 function is a known mechanism of disease. Based on the available evidence, this variant is classified as Likely Pathogenic.

Literature cited by the submitters: PubMed 20487569 (cited by 5 submitters); PubMed 25525159 (cited by Ambry Genetics and GeneKor MSA); PubMed 23464690 (cited by GeneKor MSA); PubMed 29348823 (cited by 3 submitters); PubMed 32949329 (cited by GeneKor MSA); PubMed 35655404 (cited by GeneKor MSA and Women's Health and Genetics/Laboratory Corporation of America, LabCorp); PubMed 30202019 (cited by GeneKor MSA); PubMed 27064304 (cited by Women's Health and Genetics/Laboratory Corporation of America, LabCorp).